The following is an entry in ClinVar:

NC_000005.9:g.(?_161495006)_(161580374_?)del

Gene: GABRG2 (gamma-aminobutyric acid type A receptor subunit gamma2; plus strand). Cytogenetic location: 5q34.
Variant type: Deletion.
Identifiers: ClinVar variation 1069676 (VCV001069676.2).

ClinVar aggregate classification (germline): Pathogenic (1 of 4 stars; one submission).

Conditions:
EPILEPSY, CHILDHOOD ABSENCE, SUSCEPTIBILITY TO, 2 (ECA2). Identifiers: Orphanet 64280, MedGen C1843244, OMIM 607681.
Febrile seizures, familial, 8 (FEB8). Also called: CONVULSIONS, FAMILIAL FEBRILE, 8. Identifiers: Orphanet 36387, MedGen C1969810, MONDO:0011891, OMIM 607681.

Submission:

Labcorp Genetics (formerly Invitae), Labcorp
Classification: Pathogenic for Febrile seizures, familial, 8; EPILEPSY, CHILDHOOD ABSENCE, SUSCEPTIBILITY TO, 2. Last evaluated: 2022-10-26. Review status: criteria provided, single submitter. Criteria: Invitae Variant Classification Sherloc (09022015). Collection method: clinical testing. Allele origin: germline.
Comment: A gross deletion of the genomic region encompassing the full coding sequence of the GABRG2 gene has been identified. Loss-of-function variants in GABRG2 are known to be pathogenic (PMID: 22539854, 22750526, 24407264). The boundaries of this event are unknown as they extend beyond the assayed region for this gene and therefore may encompass additional genes. Isolated whole-gene deletions of GABRG2 have not been reported in the literature. However, larger copy number events that include this gene have been reported (PMID: 22190369, 24811917, 31471553). For these reasons, this variant has been classified as Pathogenic.

Literature cited by the submitters: PubMed 22539854; PubMed 22750526; PubMed 24407264; PubMed 22190369; PubMed 24811917; PubMed 31471553.